The following is an entry in ClinVar:

ClinVar aggregate classification (germline): Conflicting classifications of pathogenicity. Review status: criteria provided, conflicting classifications (1 of 4 stars). 2 submissions from 2 submitters: Uncertain significance (1); Likely benign (1). Last evaluated 2026-03-01.

Submissions (2):

CeGaT Center for Human Genetics Tuebingen
Classification: Likely benign. Last evaluated: 2026-03-01. Review status: criteria provided, single submitter. Criteria: CeGaT Center For Human Genetics Tuebingen Variant Classification Criteria Version 2. Collection method: clinical testing. Allele origin: germline. Affected: yes. Observed: 1 variant allele.
Comment: KMT2A: BS2

Labcorp Genetics (formerly Invitae), Labcorp
Classification: Uncertain significance. Last evaluated: 2025-11-06. Review status: criteria provided, single submitter. Criteria: Invitae Variant Classification Sherloc (09022015). Collection method: clinical testing. Allele origin: germline.
Comment: This variant, c.279_284dup, results in the insertion of 2 amino acid(s) of the KMT2A protein (p.Ser97_Ser98dup), but otherwise preserves the integrity of the reading frame. This variant is present in population databases (rs781793601, gnomAD 0.007%). This variant has not been reported in the literature in individuals affected with KMT2A-related conditions. In summary, the available evidence is currently insufficient to determine the role of this variant in disease. Therefore, it has been classified as a Variant of Uncertain Significance.

NM_001197104.2(KMT2A):c.273TTCGTC[3] (p.Ser98_Ala99insSerSer)

Gene: KMT2A (lysine methyltransferase 2A; plus strand). Cytogenetic location: 11q23.3.
Variant type: Microsatellite.
Coding change: c.273TTCGTC[3] on transcript NM_001197104.2 (MANE Select); three copies in a row of the 6-base unit TTCGTC starting at c.273; the reference has two copies in a row; one copy, 6 bases duplicated.
Protein change: p.Ser98_Ala99insSerSer.
Molecular consequence: inframe insertion. On other transcripts: inframe indel (1).
Genome position (GRCh38, 1-based): chr11:118,436,791-118,436,796, TTCGTC duplicated; duplicating any 6 consecutive bases within chr11:118,436,780-118,436,796 gives the same sequence; the position shown is the placement nearest the transcript's 3' end. VCF-style (leftmost placement, unchanged base first): chr11-118436779-C-CTCGTCT. GRCh37 (hg19) VCF-style: chr11-118307494-C-CTCGTCT.
Other names: c.273_278TTCGTC[3], p.Ser98_Ala99insSerSer (NM_001412597.1); c.273TTCGTC[3], p.Ser98_Ala99insSerSer (NM_005933.4).
Identifiers: ClinVar variation 2428392 (VCV002428392.10), dbSNP rs781793601, ClinGen allele CA6303219.